The following is an entry in ClinVar:

NM_001039803.3(CDK20):c.243dup (p.Glu82Ter)

Gene: CDK20 (cyclin dependent kinase 20; minus strand). Cytogenetic location: 9q22.1.
Variant type: Duplication.
Coding change: c.243dup on transcript NM_001039803.3 (MANE Select); coding-DNA position 243, one base duplicated (T; older notation c.243dupT).
Protein change: p.Glu82Ter; replaces glutamic acid 82 with a stop codon.
Molecular consequence: nonsense.
Genome position (GRCh38, 1-based): chr9:87,971,282, A duplicated on the plus strand (T on the coding strand, the reverse complement: CDK20 is on the minus strand); the first of 3 consecutive A bases (chr9:87,971,282-87,971,284); duplicating any one gives the same sequence. VCF-style (leftmost placement, unchanged base first): chr9-87971281-C-CA. GRCh37 (hg19) VCF-style: chr9-90586196-C-CA.
Other names: c.243dup, p.Glu82Ter (NM_001170639.2, NM_001170640.2, NM_012119.5); c.282dup, p.Glu95Ter (NM_178432.4); short protein forms E82*, E95*.
Identifiers: ClinVar variation 4852901 (VCV004852901.1).

ClinVar aggregate classification (germline): Uncertain significance (1 of 4 stars; one submission).

Submission:

Care4Rare-SOLVE, CHEO
Classification: Uncertain significance. Last evaluated: 2026-05-29. Review status: criteria provided, single submitter. Criteria: ACMG Guidelines, 2015. Collection method: clinical testing. Allele origin: biparental. Inheritance: Autosomal recessive inheritance. Affected: yes.
Comment: The c.243dup variant is rare in gnomAD v4.1 (8/1,613,912 alleles; AF=0.00050%) with no homozygotes and is predicted to lead to nonsense-mediated decay.